The following is an entry in ClinVar:

ClinVar aggregate classification (germline): Benign/Likely benign. Review status: criteria provided, multiple submitters, no conflicts (2 of 4 stars). 10 submissions from 10 submitters: Benign (6); Likely benign (2). 2 of the submissions do not count toward it. Last evaluated 2026-02-02.

Conditions:
Spastic paraplegia. Identifiers: MedGen C0037772, HP:0001258.
Hereditary spastic paraplegia. Also called: Familial spastic paraparesis. Identifiers: Orphanet 685, MedGen C0037773, MONDO:0019064. Disease mechanism: loss of function.
Hereditary spastic paraplegia 35. Also called: SPASTIC PARAPLEGIA 35, AUTOSOMAL RECESSIVE, WITH OR WITHOUT NEURODEGENERATION; Spastic paraplegia 35; LEUKODYSTROPHY, DYSMYELINATING, AND SPASTIC PARAPARESIS WITH OR WITHOUT DYSTONIA; Spastic paraplegia 35, autosomal recessive. Identifiers: Orphanet 171629, MedGen C3496228, MONDO:0012866, OMIM 612319.

Allele frequency attached by ClinVar (database versions not stated): gnomAD exomes 0.00954; ExAC 0.01089; 1000 Genomes Project 0.01757; 1000 Genomes Project 30x 0.01811; gnomAD 0.01957 and 0.02064; TOPMed 0.02132; ESP Exome Variant Server 0.02439.
gnomAD v4.1: 13,750 of 1,613,458 alleles (0.85%); highest among the groups gnomAD compares: African/African-American, 5.3%; 166 homozygotes.

Submissions (10):

Labcorp Genetics (formerly Invitae), Labcorp
Classification: Benign for Spastic paraplegia. Last evaluated: 2026-02-02. Review status: criteria provided, single submitter. Criteria: Invitae Variant Classification Sherloc (09022015). Collection method: clinical testing. Allele origin: germline.

Athena Diagnostics
Classification: Benign. Last evaluated: 2024-04-15. Review status: criteria provided, single submitter. Criteria: Athena Diagnostics Criteria. Collection method: clinical testing. Allele origin: unknown.

Genome Diagnostics Laboratory, The Hospital for Sick Children
Classification: Benign for Hereditary spastic paraplegia. Last evaluated: 2021-05-13. Review status: criteria provided, single submitter. Criteria: ACMG Guidelines, 2015. Collection method: clinical testing. Allele origin: germline. Affected: yes.

Mayo Clinic Laboratories, Mayo Clinic
Classification: Benign. Last evaluated: 2018-02-01. Review status: criteria provided, single submitter. Criteria: ACMG Guidelines, 2015. Collection method: clinical testing. Allele origin: germline. Observed: 32 variant alleles.

Illumina Laboratory Services, Illumina
Classification: Benign for Hereditary spastic paraplegia 35. Last evaluated: 2018-01-12. Review status: criteria provided, single submitter. Criteria: ICSL Variant Classification Criteria 13 December 2019. Collection method: clinical testing. Allele origin: germline.
Comment: This variant was observed in the ICSL laboratory as part of a predisposition screen in an ostensibly healthy population. It had not been previously curated by ICSL or reported in the Human Gene Mutation Database (HGMD: prior to June 1st, 2018), and was therefore a candidate for classification through an automated scoring system. Utilizing variant allele frequency, disease prevalence and penetrance estimates, and inheritance mode, an automated score was calculated to assess if this variant is too frequent to cause the disease. Based on the score and internal cut-off values, a variant classified as benign is not then subjected to further curation. The score for this variant resulted in a classification of benign for this disease.

GeneDx
Classification: Benign. Last evaluated: 2016-10-28. Review status: criteria provided, single submitter. Criteria: GeneDx Variant Classification (06012015). Collection method: clinical testing. Allele origin: germline. Affected: yes.
Comment: This variant is considered likely benign or benign based on one or more of the following criteria: it is a conservative change, it occurs at a poorly conserved position in the protein, it is predicted to be benign by multiple in silico algorithms, and/or has population frequency not consistent with disease.

Genome Diagnostics Laboratory, University Medical Center Utrecht
Classification: Likely benign for Hereditary spastic paraplegia 35. Last evaluated: 2014-10-09. Review status: criteria provided, single submitter. Criteria: ACGS Guidelines, 2013. Collection method: clinical testing. Allele origin: germline. Affected: yes. Study: VKGL Data-share Consensus.

Breakthrough Genomics
Classification: Likely benign. Review status: criteria provided, single submitter. Criteria: ACMG Guidelines, 2015. Collection method: not provided. Allele origin: germline. Inheritance: Autosomal recessive inheritance. Affected: yes.

Genome Diagnostics Laboratory, Amsterdam University Medical Center
Classification: Likely benign for Hereditary spastic paraplegia 35. Last evaluated: 2015-07-24. Review status: no assertion criteria provided. Criteria: ACGS Guidelines, 2013. Collection method: clinical testing. Allele origin: germline. Affected: yes. Study: VKGL Data-share Consensus. Not counted in ClinVar's aggregate classification.

Genetic Services Laboratory, University of Chicago
Classification: Likely benign for AllHighlyPenetrant. Review status: no assertion criteria provided. Collection method: clinical testing. Allele origin: germline. Inheritance: Autosomal recessive inheritance. Not counted in ClinVar's aggregate classification.
Comment: Likely benign based on allele frequency in 1000 Genomes Project or ESP global frequency and its presence in a patient with a rare or unrelated disease phenotype. NOT Sanger confirmed.

NM_024306.5(FA2H):c.289C>G (p.Pro97Ala)

Gene: FA2H (fatty acid 2-hydroxylase; minus strand). Cytogenetic location: 16q23.1.
Variant type: single nucleotide variant.
Coding change: c.289C>G on transcript NM_024306.5 (MANE Select); coding-DNA position 289, C replaced by G.
Protein change: p.Pro97Ala; replaces proline 97 with alanine.
Molecular consequence: missense variant.
Genome position (GRCh38, 1-based): chr16:74,740,097, G>C on the plus strand (C>G on the coding strand, the complement: FA2H is on the minus strand). VCF-style: chr16-74740097-G-C. GRCh37 (hg19) VCF-style: chr16-74773995-G-C.
Other names: short protein forms P97A.
Identifiers: ClinVar variation 129029 (VCV000129029.27), dbSNP rs35874850, ClinGen allele CA152809.